The following is an entry in ClinVar:

ClinVar aggregate classification (germline): Uncertain significance (1 of 4 stars; one submission).

gnomAD v4.1: 2 of 1,613,034 alleles (0.00012%); highest among the groups gnomAD compares: Middle Eastern, 0.016%; no homozygotes.

Submission:

Ambry Genetics
Classification: Uncertain significance. Last evaluated: 2025-02-08. Review status: criteria provided, single submitter. Criteria: Ambry Variant Classification Scheme 2023. Collection method: clinical testing. Allele origin: germline.
Comment: The p.P818R variant (also known as c.2453C>G), located in coding exon 11 of the WNK2 gene, results from a C to G substitution at nucleotide position 2453. The proline at codon 818 is replaced by arginine, an amino acid with dissimilar properties. This amino acid position is conserved. In addition, this alteration is predicted to be tolerated by in silico analysis. Based on the available evidence, the clinical significance of this variant remains unclear.

NM_006648.4(WNK2):c.2453C>G (p.Pro818Arg)

Gene: WNK2 (WNK lysine deficient protein kinase 2; plus strand). Cytogenetic location: 9q22.31.
Variant type: single nucleotide variant.
Coding change: c.2453C>G on transcript NM_006648.4 (MANE Select); coding-DNA position 2453, C replaced by G.
Protein change: p.Pro818Arg; replaces proline 818 with arginine.
Molecular consequence: missense variant.
Genome position (GRCh38, 1-based): chr9:93,259,001, C>G. VCF-style: chr9-93259001-C-G. GRCh37 (hg19) VCF-style: chr9-96021283-C-G.
Other names: c.2453C>G, p.Pro818Arg (NM_001282394.3); short protein forms P818R.
Identifiers: ClinVar variation 3817040 (VCV003817040.1).